The following is an entry in ClinVar:

ClinVar aggregate classification (germline): Uncertain significance (1 of 4 stars; one submission).

Submission:

Labcorp Genetics (formerly Invitae), Labcorp
Classification: Uncertain significance. Last evaluated: 2023-07-07. Review status: criteria provided, single submitter. Criteria: Invitae Variant Classification Sherloc (09022015). Collection method: clinical testing. Allele origin: germline.
Comment: The ASCC1 gene has multiple clinically relevant transcripts. This variant occurs in alternate transcript NM_001198799.2, and corresponds to at least NM_001198800.2:c.958-5537_958-4919del in the primary transcript. In summary, the available evidence is currently insufficient to determine the role of this variant in disease. Therefore, it has been classified as a Variant of Uncertain Significance. Experimental studies and prediction algorithms are not available or were not evaluated, and the functional significance of this variant is currently unknown. This variant has not been reported in the literature in individuals affected with ASCC1-related conditions. This variant is a gross deletion of the genomic region encompassing exon(s) 11-12 of the ASCC1 gene, which includes the termination codon. While this deletion is not anticipated to lead to nonsense mediated decay, it is expected to alter mRNA translation or result in a truncated protein product.

NC_000010.10:g.(?_73862127)_(73862745_?)del

Gene: ASCC1 (activating signal cointegrator 1 complex subunit 1; minus strand). Cytogenetic location: 10q22.1.
Variant type: Deletion.
Identifiers: ClinVar variation 1373770 (VCV001373770.5).